The following is an entry in ClinVar:

ClinVar aggregate classification (germline): Likely pathogenic (1 of 4 stars; one submission).

Conditions:
Developmental and epileptic encephalopathy, 60. Also called: EPILEPTIC ENCEPHALOPATHY, EARLY INFANTILE, 60. Identifiers: MedGen C4693663, MONDO:0033369, OMIM 617929.

Allele frequency attached by ClinVar (database versions not stated): gnomAD 0.00001; gnomAD exomes 0.00001; TOPMed 0.00002.

Submission:

Centre for Mendelian Genomics, University Medical Centre Ljubljana
Classification: Likely pathogenic for Developmental and epileptic encephalopathy, 60. Last evaluated: 2020-01-20. Review status: criteria provided, single submitter. Criteria: ACMG Guidelines, 2015. Collection method: clinical testing. Allele origin: unknown. Affected: yes.
Comment: This variant was classified as: Likely pathogenic. The following ACMG criteria were applied in classifying this variant: PVS1,PM2. This variant was detected in homozygous state.

NM_006586.5(CNPY3):c.734_737del (p.Gln245fs)

Genes: CNPY3 (canopy FGF signaling regulator 3; plus strand), CNPY3-GNMT (CNPY3-GNMT readthrough; plus strand). Cytogenetic location: 6p21.1.
Variant type: Deletion.
Coding change: c.734_737del on transcript NM_006586.5 (MANE Select); coding-DNA positions 734 to 737, 4 bases deleted (AAAG; older notation c.734_737delAAAG).
Protein change: p.Gln245fs; shifts the reading frame from glutamine 245.
Molecular consequence: frameshift variant. On other transcripts: non-coding transcript variant (4), intron variant (3).
Genome position (GRCh38, 1-based): chr6:42,938,688-42,938,691, AAAG deleted. VCF-style (leftmost placement, unchanged base first): chr6-42938687-CAAAG-C. GRCh37 (hg19) VCF-style: chr6-42906425-CAAAG-C.
Other names: c.833_836del, p.Gln278fs (NM_001318842.1); c.467_470del, p.Gln156fs (NM_001318845.1); c.8+8967_8+8970del (NM_001318856.2); c.151+8967_151+8970del (NM_001318857.2, NM_001318858.2); short protein forms Q245fs, Q156fs, Q278fs.
Identifiers: ClinVar variation 932071 (VCV000932071.3), dbSNP rs1197219692, ClinGen allele CA824880672.
Genomic context (GRCh38, chr6:42,938,687, plus strand): 5'-AAGTCCAAGAAGAAGAGCAGCAGGGCCAAGGCAGCAGGCGGCAGGAGTAGCAGCAGCAAA[CAAAG>C]GAAGGAGCTGGGTGGCCTTGAGGGAGACCCCAGCCCCGAGGAGGATGAGGGCATCCAGAA-3'